The following is an entry in ClinVar:

NM_006254.4(PRKCD):c.616G>A (p.Gly206Ser)

Gene: PRKCD (protein kinase C delta; plus strand). Cytogenetic location: 3p21.1.
Variant type: single nucleotide variant.
Coding change: c.616G>A on transcript NM_006254.4 (MANE Select); coding-DNA position 616, G replaced by A.
Protein change: p.Gly206Ser; replaces glycine 206 with serine.
Molecular consequence: missense variant.
Genome position (GRCh38, 1-based): chr3:53,183,165, G>A. VCF-style: chr3-53183165-G-A. GRCh37 (hg19) VCF-style: chr3-53217181-G-A.
Other names: p.Gly206Ser; c.616G>A, p.Gly206Ser (NM_001316327.2, NM_001354679.2, NM_001354680.2 and 1 more transcripts); c.673G>A, p.Gly225Ser (NM_001354676.2); c.664G>A, p.Gly222Ser (NM_001354678.2); short protein forms G206S, G222S, G225S.
Identifiers: ClinVar variation 863476 (VCV000863476.8), dbSNP rs957946153, ClinGen allele CA74812232.
Genomic context (GRCh38, chr3:53,183,165, plus strand): 5'-CCTGTGCCTCTTCAAGAATGTAACGCTGCCATCCACAAGAAATGCATCGACAAGATCATC[G>A]GCAGATGCACTGGCACCGCGGCCAACAGCCGGGACACTATAGTGAGCCTGGGTCCGGGGC-3'
Protein context (NP_006245.2, residues 196-216): IHKKCIDKII[Gly206Ser]RCTGTAANSR

ClinVar aggregate classification (germline): Uncertain significance. Review status: criteria provided, multiple submitters, no conflicts (2 of 4 stars). 2 submissions from 2 submitters: Uncertain significance (2). Last evaluated 2025-12-04.

Conditions:
Autoimmune lymphoproliferative syndrome, type III caused by mutation in PRKCD. Identifiers: Orphanet 3261, Orphanet 664711, MedGen C3809928, MONDO:8000024, OMIM 615559.

Allele frequency attached by ClinVar (database versions not stated): gnomAD exomes 0.00001; TOPMed 0.00001.

Submissions (2):

Mayo Clinic Laboratories, Mayo Clinic
Classification: Uncertain significance. Last evaluated: 2025-12-04. Review status: criteria provided, single submitter. Criteria: ACMG Guidelines, 2015. Collection method: clinical testing. Allele origin: germline. Observed: 1 variant allele.
Comment: PM2_supporting

Labcorp Genetics (formerly Invitae), Labcorp
Classification: Uncertain significance for Autoimmune lymphoproliferative syndrome, type III caused by mutation in PRKCD. Last evaluated: 2023-07-22. Review status: criteria provided, single submitter. Criteria: Invitae Variant Classification Sherloc (09022015). Collection method: clinical testing. Allele origin: germline.
Comment: In summary, the available evidence is currently insufficient to determine the role of this variant in disease. Therefore, it has been classified as a Variant of Uncertain Significance. An algorithm developed to predict the effect of missense changes on protein structure and function (PolyPhen-2) suggests that this variant is likely to be disruptive. ClinVar contains an entry for this variant (Variation ID: 863476). This variant has not been reported in the literature in individuals affected with PRKCD-related conditions. This variant is present in population databases (no rsID available, gnomAD 0.003%). This sequence change replaces glycine, which is neutral and non-polar, with serine, which is neutral and polar, at codon 206 of the PRKCD protein (p.Gly206Ser).